The following is an entry in ClinVar:

ClinVar aggregate classification (germline): Likely pathogenic (1 of 4 stars; one submission).

Conditions:
Junctional epidermolysis bullosa. Identifiers: Orphanet 305, MedGen C0079301, MONDO:0017612.

Submission:

Myriad Genetics, Inc.
Classification: Likely pathogenic for Junctional epidermolysis bullosa. Last evaluated: 2021-11-16. Review status: criteria provided, single submitter. Criteria: Myriad Autosomal Dominant, Autosomal Recessive and X-Linked Classification Criteria (2023). Collection method: clinical testing. Allele origin: unknown.
Comment: NM_000228.2(LAMB3):c.3226G>T(E1076*) is expected to be pathogenic in the context of junctional epidermolysis bullosa, LAMB3-related. This variant is predicted to lead to an abnormal or absent protein product due to the creation of a premature termination codon in LAMB3, a gene where loss-of-function variants are known to be pathogenic. Please note: this variant was assessed in the context of healthy population screening.

NM_000228.3(LAMB3):c.3226G>T (p.Glu1076Ter)

Gene: LAMB3 (laminin subunit beta 3; minus strand). Cytogenetic location: 1q32.2.
Variant type: single nucleotide variant.
Coding change: c.3226G>T on transcript NM_000228.3 (MANE Select); coding-DNA position 3226, G replaced by T.
Protein change: p.Glu1076Ter; replaces glutamic acid 1076 with a stop codon.
Molecular consequence: nonsense.
Genome position (GRCh38, 1-based): chr1:209,617,412, C>A on the plus strand (G>T on the coding strand, the complement: LAMB3 is on the minus strand). VCF-style: chr1-209617412-C-A. GRCh37 (hg19) VCF-style: chr1-209790757-C-A.
Other names: c.3226G>T, p.Glu1076Ter (NM_001017402.2, NM_001127641.1); short protein forms E1076*.
Identifiers: ClinVar variation 1724671 (VCV001724671.3), dbSNP rs2464752372, ClinGen allele CA344583512.